The following is an entry in ClinVar:

NM_015459.5(ATL3):c.16C>T (p.Arg6Ter)

Gene: ATL3 (atlastin GTPase 3; minus strand). Cytogenetic location: 11q13.1.
Variant type: single nucleotide variant.
Coding change: c.16C>T on transcript NM_015459.5 (MANE Select); coding-DNA position 16, C replaced by T.
Protein change: p.Arg6Ter; replaces arginine 6 with a stop codon.
Molecular consequence: nonsense. On other transcripts: intron variant (1).
Genome position (GRCh38, 1-based): chr11:63,671,320, G>A on the plus strand (C>T on the coding strand, the complement: ATL3 is on the minus strand). VCF-style: chr11-63671320-G-A. GRCh37 (hg19) VCF-style: chr11-63438792-G-A.
Other names: c.-9+316C>T (NM_001290048.2); short protein forms R6*.
Identifiers: ClinVar variation 569241 (VCV000569241.6), dbSNP rs1455374554, ClinGen allele CA381032838.
Genomic context (GRCh38, chr11:63,671,320, plus strand): 5'-GGGGCGATCCAGGGAAAATCGGCGCCTCACCTGCTCCTCTTGAGGCAGCTGCTGCCACTC[G>A]CTGAGGGGACAACATGGAGCCTCCGCCTTCAAAGCAGAAGCAGCAGGGGTGCAGAGGAGA-3'

ClinVar aggregate classification (germline): Conflicting classifications of pathogenicity. Review status: criteria provided, conflicting classifications (1 of 4 stars). 2 submissions from 2 submitters: Pathogenic (1); Uncertain significance (1). Last evaluated 2018-05-03.

Conditions:
Neuropathy, hereditary sensory, type 1F. Also called: HSN IF; Hereditary sensory neuropathy type IF. Identifiers: Orphanet 36386, MedGen C3810194, MONDO:0014286, OMIM 615632.

Allele frequency attached by ClinVar (database versions not stated): gnomAD exomes below 0.00001.
gnomAD v4.1: 2 of 1,588,192 alleles (0.00013%); highest among the groups gnomAD compares: Middle Eastern, 0.017%; no homozygotes.

Submissions (2):

Labcorp Genetics (formerly Invitae), Labcorp
Classification: Uncertain significance for Neuropathy, hereditary sensory, type 1F. Last evaluated: 2018-05-03. Review status: criteria provided, single submitter. Criteria: Invitae Variant Classification Sherloc (09022015). Collection method: clinical testing. Allele origin: germline.
Comment: In summary, the available evidence is currently insufficient to determine the role of this variant in disease. Therefore, it has been classified as a Variant of Uncertain Significance. The current clinical and genetic evidence is not sufficient to establish whether loss-of-function variants in ATL3 cause disease. Algorithms developed to predict the effect of sequence changes on RNA splicing suggest that this variant may create or strengthen a splice site, but this prediction has not been confirmed by published transcriptional studies. This variant has not been reported in the literature in individuals with ATL3-related disease. This variant is not present in population databases (ExAC no frequency). This sequence change creates a premature translational stop signal (p.Arg6*) in the ATL3 gene. It is expected to result in an absent or disrupted protein product.

Medical Genetics Laboratory, Niloo Shiraz Laboratory
Classification: Pathogenic for Neuropathy, hereditary sensory, type 1F. Review status: criteria provided, single submitter. Criteria: ACMG Guidelines, 2015. Collection method: clinical testing. Allele origin: de novo. Inheritance: Autosomal dominant inheritance. Affected: yes.
Comment: The variant c.C16T:p.R6X introduces a premature stop codon at amino acid 6 of 542 and is predicted to result in nonsense-mediated decay (NMD) based on in silico analysis. It is reported in ClinVar as a Variant of Uncertain Significance (VUS), observed in 2 heterozygotes in gnomAD, and absent from Niloo-Exome. According to ACMG criteria, it is classified as likely pathogenic.This variant has been previously reported in Iranian patients (PMID: 36856139). Considering that the associated disorder typically manifests in the first or second decade of life, its frequency may be underestimated in population databases.

Literature cited by the submitters: PubMed 36856139 (cited by Medical Genetics Laboratory, Niloo Shiraz Laboratory).